The following is an entry in ClinVar:

ClinVar aggregate classification (germline): Uncertain significance (1 of 4 stars; one submission).

Conditions:
Inborn genetic diseases. Identifiers: MedGen C0950123, MeSH D030342.

gnomAD v4.1: 1 of 1,614,242 alleles (0.000062%); highest among the groups gnomAD compares: Non-Finnish European, 0.000085%; no homozygotes.

Submission:

Ambry Genetics
Classification: Uncertain significance for Inborn genetic diseases. Last evaluated: 2025-05-11. Review status: criteria provided, single submitter. Criteria: Ambry Variant Classification Scheme 2023. Collection method: clinical testing. Allele origin: germline.
Comment: The p.P1272R variant (also known as c.3815C>G), located in coding exon 13 of the ASXL1 gene, results from a C to G substitution at nucleotide position 3815. The proline at codon 1272 is replaced by arginine, an amino acid with dissimilar properties. This amino acid position is conserved. In addition, this alteration is predicted to be tolerated by in silico analysis. Based on the available evidence, the clinical significance of this variant remains unclear.

NM_015338.6(ASXL1):c.3815C>G (p.Pro1272Arg)

Gene: ASXL1 (ASXL transcriptional regulator 1; plus strand). Cytogenetic location: 20q11.21.
Variant type: single nucleotide variant.
Coding change: c.3815C>G on transcript NM_015338.6 (MANE Select); coding-DNA position 3815, C replaced by G.
Protein change: p.Pro1272Arg; replaces proline 1272 with arginine.
Molecular consequence: missense variant.
Genome position (GRCh38, 1-based): chr20:32,436,527, C>G. VCF-style: chr20-32436527-C-G. GRCh37 (hg19) VCF-style: chr20-31024330-C-G.
Other names: c.3632C>G, p.Pro1211Arg (NM_001363734.1); short protein forms P1211R, P1272R.
Identifiers: ClinVar variation 3956851 (VCV003956851.1).
Genomic context (GRCh38, chr20:32,436,527, plus strand): 5'-ACAGTAATTCAAATGCTGCTCCAGGAAAGAGCCCAGGAGATCTTACTACCTCGAGAACAC[C>G]TCGTTTCTCATCTCCAAATGTGATCTCCTTTGGTCCAGAGCAGACAGGTCGGGCCCTGGG-3'
Protein context (NP_056153.2, residues 1262-1282): SPGDLTTSRT[Pro1272Arg]RFSSPNVISF